The following is an entry in ClinVar:

NM_001164508.2(NEB):c.7441A>G (p.Arg2481Gly)

Gene: NEB (nebulin; minus strand). Cytogenetic location: 2q23.3.
Variant type: single nucleotide variant.
Coding change: c.7441A>G on transcript NM_001164508.2 (MANE Select); coding-DNA position 7441, A replaced by G.
Protein change: p.Arg2481Gly; replaces arginine 2481 with glycine.
Molecular consequence: missense variant.
Genome position (GRCh38, 1-based): chr2:151,646,225, T>C on the plus strand (A>G on the coding strand, the complement: NEB is on the minus strand). VCF-style: chr2-151646225-T-C. GRCh37 (hg19) VCF-style: chr2-152502739-T-C.
Other names: c.7441A>G, p.Arg2481Gly (NM_001164507.2, NM_001271208.2, NM_004543.5); short protein forms R2481G.
Identifiers: ClinVar variation 218577 (VCV000218577.60), dbSNP rs149430473, ClinGen allele CA248900.

ClinVar aggregate classification (germline): Conflicting classifications of pathogenicity. Review status: criteria provided, conflicting classifications (1 of 4 stars). 9 submissions from 9 submitters: Uncertain significance (7); Likely benign (1). 1 of the submissions does not count toward it. Last evaluated 2026-01-19.

Conditions:
Inborn genetic diseases. Identifiers: MedGen C0950123, MeSH D030342.
Nemaline myopathy 2 (NEM2). Also called: Nemaline myopathy 2, autosomal recessive. Identifiers: MedGen C1850569, MONDO:0009725, OMIM 256030.

Allele frequency attached by ClinVar (database versions not stated): gnomAD exomes 0.00005 and 0.00007; TOPMed 0.00005; gnomAD 0.00006 and 0.00008; ESP Exome Variant Server 0.00008; ExAC 0.00014; 1000 Genomes Project 30x 0.00016; 1000 Genomes Project 0.00020.
gnomAD v4.1: 84 of 1,587,926 alleles (0.0053%); highest among the groups gnomAD compares: Middle Eastern, 0.3%; no homozygotes.

Submissions (9):

Labcorp Genetics (formerly Invitae), Labcorp
Classification: Likely benign for Nemaline myopathy 2. Last evaluated: 2026-01-19. Review status: criteria provided, single submitter. Criteria: Invitae Variant Classification Sherloc (09022015). Collection method: clinical testing. Allele origin: germline.

Women's Health and Genetics/Laboratory Corporation of America, LabCorp
Classification: Uncertain significance. Last evaluated: 2025-11-25. Review status: criteria provided, single submitter. Criteria: LabCorp Variant Classification Summary - May 2015. Collection method: clinical testing. Allele origin: germline.
Comment: Variant summary: NEB c.7441A>G (p.Arg2481Gly) results in a non-conservative amino acid change in the encoded protein sequence. Algorithms developed to predict the effect of missense changes on protein structure and function are either unavailable or do not agree on the potential impact of this missense change. The variant allele was found at a frequency of 7.1e-05 in 211966 control chromosomes. This frequency is not significantly higher than estimated for disease-causing variants in NEB, allowing no conclusion about variant significance. To our knowledge, no occurrence of c.7441A>G in individuals affected with NEB-related conditions and no experimental evidence demonstrating its impact on protein function have been reported. ClinVar contains an entry for this variant (Variation ID: 218577). Based on the evidence outlined above, the variant was classified as uncertain significance.

Ambry Genetics
Classification: Uncertain significance for Inborn genetic diseases. Last evaluated: 2025-01-14. Review status: criteria provided, single submitter. Criteria: Ambry Variant Classification Scheme 2023. Collection method: clinical testing. Allele origin: germline.

Revvity Omics, Revvity
Classification: Uncertain significance. Last evaluated: 2022-05-24. Review status: criteria provided, single submitter. Criteria: ACMG Guidelines, 2015. Collection method: clinical testing. Allele origin: germline.

Baylor Genetics
Classification: Uncertain significance for Nemaline myopathy 2. Last evaluated: 2019-07-24. Review status: criteria provided, single submitter. Criteria: ACMG Guidelines, 2015. Collection method: clinical testing. Allele origin: unknown. Affected: yes.
Comment: This variant was determined to be of uncertain significance according to ACMG Guidelines, 2015 [PMID:25741868].

Illumina Laboratory Services, Illumina
Classification: Uncertain significance for Nemaline myopathy 2. Last evaluated: 2018-01-13. Review status: criteria provided, single submitter. Criteria: ICSL Variant Classification Criteria 13 December 2019. Collection method: clinical testing. Allele origin: germline.

CeGaT Center for Human Genetics Tuebingen
Classification: Uncertain significance. Last evaluated: 2017-11-01. Review status: criteria provided, single submitter. Criteria: CeGaT Center For Human Genetics Tuebingen Variant Classification Criteria Version 2. Collection method: clinical testing. Allele origin: germline. Affected: yes. Observed: 1 variant allele.

Genomic Diagnostic Laboratory, Division of Genomic Diagnostics, Children's Hospital of Philadelphia
Classification: Uncertain significance. Last evaluated: 2015-06-17. Review status: criteria provided, single submitter. Criteria: DGD Variant Analysis Guidelines. Collection method: clinical testing. Allele origin: unknown.

Natera, Inc.
Classification: Uncertain significance for Nemaline myopathy type 2. Last evaluated: 2020-02-21. Review status: no assertion criteria provided. Collection method: clinical testing. Allele origin: germline. Not counted in ClinVar's aggregate classification.